The following is an entry in ClinVar:

ClinVar aggregate classification (germline): Uncertain significance (1 of 4 stars; one submission).

Conditions:
VPS13B-related disorder. Also called: VPS13B-related condition.

gnomAD v4.1: 7 of 1,613,330 alleles (0.00043%); highest among the groups gnomAD compares: Non-Finnish European, 0.00059%; no homozygotes.

Submission:

PreventionGenetics, part of Exact Sciences
Classification: Uncertain significance for VPS13B-related condition. Last evaluated: 2026-04-09. Review status: criteria provided, single submitter. Criteria: ACMG Guidelines, 2015. Collection method: clinical testing. Allele origin: germline.
Comment: The VPS13B c.9211G>A variant is predicted to result in the amino acid substitution p.Val3071Ile. To our knowledge, this variant has not been reported in the literature or in a large population database (gnomAD), indicating this variant is rare. At this time, the clinical significance of this variant is uncertain due to the absence of conclusive functional and genetic evidence.

NM_152564.5(VPS13B):c.9211G>A (p.Val3071Ile)

Gene: VPS13B (vacuolar protein sorting 13 homolog B; plus strand). Cytogenetic location: 8q22.2.
Variant type: single nucleotide variant.
Coding change: c.9211G>A on transcript NM_152564.5 (MANE Select); coding-DNA position 9211, G replaced by A.
Protein change: p.Val3071Ile; replaces valine 3071 with isoleucine.
Molecular consequence: missense variant.
Genome position (GRCh38, 1-based): chr8:99,823,859, G>A. VCF-style: chr8-99823859-G-A. GRCh37 (hg19) VCF-style: chr8-100836087-G-A.
Other names: c.9286G>A, p.Val3096Ile (NM_017890.5); short protein forms V3071I, V3096I.
Identifiers: ClinVar variation 4984360 (VCV004984360.1).
Genomic context (GRCh38, chr8:99,823,859, plus strand): 5'-TGTCAAAATTATTTTTTCTCAATTATCTTGTAGTTATGTCAGTTCTGCATTTCCTCCATG[G>A]TACAGCAAGGTATACAAATTATTCAGATTGAAGACAAGACTACAATAATCAATAATACAC-3'
Protein context (NP_689777.3, residues 3061-3081): KLCQFCISSM[Val3071Ile]QQGIQIIQIE